The following is an entry in ClinVar:

NM_001142800.2(EYS):c.2500G>A (p.Val834Ile)

Gene: EYS (EGF-like photoreceptor maintenance factor; minus strand). Cytogenetic location: 6q12.
Variant type: single nucleotide variant.
Coding change: c.2500G>A on transcript NM_001142800.2 (MANE Select); coding-DNA position 2500, G replaced by A.
Protein change: p.Val834Ile; replaces valine 834 with isoleucine.
Molecular consequence: missense variant.
Genome position (GRCh38, 1-based): chr6:64,912,625, C>T on the plus strand (G>A on the coding strand, the complement: EYS is on the minus strand). VCF-style: chr6-64912625-C-T. GRCh37 (hg19) VCF-style: chr6-65622518-C-T.
Other names: c.2500G>A, p.Val834Ile (NM_001292009.2); short protein forms V834I.
Identifiers: ClinVar variation 194615 (VCV000194615.48), dbSNP rs112464110, ClinGen allele CA201263.

ClinVar aggregate classification (germline): Benign/Likely benign. Review status: criteria provided, multiple submitters, no conflicts (2 of 4 stars). 7 submissions from 7 submitters: Benign (3); Likely benign (3). 1 of the submissions does not count toward it. Last evaluated 2026-01-28.

Conditions:
Retinitis pigmentosa 25 (RP25). Identifiers: Orphanet 791, MedGen C1864446, MONDO:0011272, OMIM 602772.

Allele frequency attached by ClinVar (database versions not stated): gnomAD exomes 0.00052; ExAC 0.00107; TOPMed 0.00265; 1000 Genomes Project 0.00280; 1000 Genomes Project 30x 0.00281; gnomAD 0.00293; ESP Exome Variant Server 0.00307.
gnomAD v4.1: 655 of 1,551,080 alleles (0.042%); highest among the groups gnomAD compares: African/African-American, 0.74%; 2 homozygotes.

Submissions (7):

Labcorp Genetics (formerly Invitae), Labcorp
Classification: Benign. Last evaluated: 2026-01-28. Review status: criteria provided, single submitter. Criteria: Invitae Variant Classification Sherloc (09022015). Collection method: clinical testing. Allele origin: germline.

CeGaT Center for Human Genetics Tuebingen
Classification: Likely benign. Last evaluated: 2025-07-01. Review status: criteria provided, single submitter. Criteria: CeGaT Center For Human Genetics Tuebingen Variant Classification Criteria Version 2. Collection method: clinical testing. Allele origin: germline. Affected: yes. Observed: 2 variant alleles.
Comment: EYS: BP4

Blueprint Genetics
Classification: Likely benign. Last evaluated: 2024-06-20. Review status: criteria provided, single submitter. Criteria: ACMG Guidelines, 2015. Collection method: clinical testing. Allele origin: germline.

GeneDx
Classification: Likely benign. Last evaluated: 2021-04-30. Review status: criteria provided, single submitter. Criteria: GeneDx Variant Classification Process June 2021. Collection method: clinical testing. Allele origin: germline. Affected: yes.
Comment: See Variant Classification Assertion Criteria.

Mendelics
Classification: Benign for Retinitis pigmentosa 25. Last evaluated: 2019-05-28. Review status: criteria provided, single submitter. Criteria: Mendelics Assertion Criteria 2017. Collection method: clinical testing. Allele origin: unknown.

Eurofins Ntd Llc (ga)
Classification: Benign. Last evaluated: 2014-08-20. Review status: criteria provided, single submitter. Criteria: EGL Classification Definitions 2015. Collection method: clinical testing. Allele origin: germline. Observed: 1 variant allele, 1 heterozygote.

Natera, Inc.
Classification: Uncertain significance for Retinitis pigmentosa type 25. Last evaluated: 2020-06-15. Review status: no assertion criteria provided. Collection method: clinical testing. Allele origin: germline. Not counted in ClinVar's aggregate classification.

Literature cited by the submitters: PubMed 20537394 (cited by Eurofins Ntd Llc (ga)).